The following is an entry in ClinVar:

NM_000158.4(GBE1):c.162A>C (p.Gln54His)

Gene: GBE1 (1,4-alpha-glucan branching enzyme 1; minus strand). Cytogenetic location: 3p12.2.
Variant type: single nucleotide variant.
Coding change: c.162A>C on transcript NM_000158.4 (MANE Select); coding-DNA position 162, A replaced by C.
Protein change: p.Gln54His; replaces glutamine 54 with histidine.
Molecular consequence: missense variant.
Genome position (GRCh38, 1-based): chr3:81,705,595, T>G on the plus strand (A>C on the coding strand, the complement: GBE1 is on the minus strand). VCF-style: chr3-81705595-T-G. GRCh37 (hg19) VCF-style: chr3-81754746-T-G.
Other names: short protein forms Q54H.
Identifiers: ClinVar variation 2096068 (VCV002096068.4), dbSNP rs2471917618, ClinGen allele CA353687931.

ClinVar aggregate classification (germline): Uncertain significance (1 of 4 stars; one submission).

Conditions:
Glycogen storage disease IV, classic hepatic. Also called: GSD IV, CLASSIC HEPATIC. Identifiers: MedGen C1856301.
Glycogen storage disease, type IV (GSD4). Also called: Glycogen storage disease due to glycogen branching enzyme deficiency; AMYLOPECTINOSIS; ANDERSEN DISEASE; BRANCHER DEFICIENCY; CIRRHOSIS, FAMILIAL, WITH DEPOSITION OF ABNORMAL GLYCOGEN; GBE1 DEFICIENCY. Identifiers: Orphanet 367, MedGen C0017923, MONDO:0009292, OMIM 232500.

Submission:

Labcorp Genetics (formerly Invitae), Labcorp
Classification: Uncertain significance for Glycogen storage disease, type IV; Glycogen storage disease IV, classic hepatic. Last evaluated: 2022-03-04. Review status: criteria provided, single submitter. Criteria: Invitae Variant Classification Sherloc (09022015). Collection method: clinical testing. Allele origin: germline.
Comment: In summary, the available evidence is currently insufficient to determine the role of this variant in disease. Therefore, it has been classified as a Variant of Uncertain Significance. Advanced modeling of protein sequence and biophysical properties (such as structural, functional, and spatial information, amino acid conservation, physicochemical variation, residue mobility, and thermodynamic stability) performed at Invitae indicates that this missense variant is not expected to disrupt GBE1 protein function. This variant has not been reported in the literature in individuals affected with GBE1-related conditions. This variant is not present in population databases (gnomAD no frequency). This sequence change replaces glutamine, which is neutral and polar, with histidine, which is basic and polar, at codon 54 of the GBE1 protein (p.Gln54His).